The following is an entry in ClinVar:

NM_000538.4(RFXAP):c.24G>A (p.Glu8=)

Genes: RFXAP (regulatory factor X associated protein; plus strand), LOC130009573 (ATAC-STARR-seq lymphoblastoid silent region 5267; plus strand). Cytogenetic location: 13q13.3.
Variant type: single nucleotide variant.
Coding change: c.24G>A on transcript NM_000538.4 (MANE Select); coding-DNA position 24, G replaced by A.
Protein change: p.Glu8=; no amino-acid change (glutamic acid 8 retained).
Molecular consequence: synonymous variant.
Genome position (GRCh38, 1-based): chr13:36,819,381, G>A. VCF-style: chr13-36819381-G-A. GRCh37 (hg19) VCF-style: chr13-37393518-G-A.
Identifiers: ClinVar variation 471260 (VCV000471260.41), dbSNP rs540467033, ClinGen allele CA6950167.

ClinVar aggregate classification (germline): Benign/Likely benign. Review status: criteria provided, multiple submitters, no conflicts (2 of 4 stars). 8 submissions from 8 submitters: Benign (4); Likely benign (2). 2 of the submissions do not count toward it. Last evaluated 2026-06-01.

Conditions:
MHC class II deficiency. Also called: Bare lymphocyte syndrome 2; BLS, TYPE II. Identifiers: Orphanet 572, MedGen C5447452, MONDO:0008855.
RFXAP-related disorder. Also called: RFXAP-related condition.

Allele frequency attached by ClinVar (database versions not stated): 1000 Genomes Project 30x 0.00078; 1000 Genomes Project 0.00100; TOPMed 0.00200; gnomAD 0.00205 and 0.00213; gnomAD exomes 0.00368; ExAC 0.00938.

Submissions (8):

CeGaT Center for Human Genetics Tuebingen
Classification: Likely benign. Last evaluated: 2026-06-01. Review status: criteria provided, single submitter. Criteria: CeGaT Center For Human Genetics Tuebingen Variant Classification Criteria Version 2. Collection method: clinical testing. Allele origin: germline. Affected: yes. Observed: 4 variant alleles.
Comment: RFXAP: BP4, BP7

Labcorp Genetics (formerly Invitae), Labcorp
Classification: Benign for MHC class II deficiency. Last evaluated: 2026-01-28. Review status: criteria provided, single submitter. Criteria: Invitae Variant Classification Sherloc (09022015). Collection method: clinical testing. Allele origin: germline.

Blueprint Genetics
Classification: Likely benign. Last evaluated: 2024-11-21. Review status: criteria provided, single submitter. Criteria: ACMG Guidelines, 2015. Collection method: clinical testing. Allele origin: germline.

Clinical Genetics DNA and cytogenetics Diagnostics Lab, Erasmus MC, Erasmus Medical Center
Classification: Benign for MHC class II deficiency 1. Last evaluated: 2017-06-28. Review status: criteria provided, single submitter. Criteria: ACGS Guidelines, 2013. Collection method: clinical testing. Allele origin: germline. Affected: yes. Study: VKGL Data-share Consensus.

Illumina Laboratory Services, Illumina
Classification: Benign for MHC class II deficiency 1. Last evaluated: 2017-04-27. Review status: criteria provided, single submitter. Criteria: ICSL Variant Classification Criteria 13 December 2019. Collection method: clinical testing. Allele origin: germline.
Comment: This variant was observed as part of a predisposition screen in an ostensibly healthy population. A literature search was performed for the gene, cDNA change, and amino acid change (where applicable). No publications were found based on this search. Allele frequency data from public databases was too high to be consistent with this variant causing disease. Therefore, this variant is classified as benign.

Breakthrough Genomics
Classification: Benign. Review status: criteria provided, single submitter. Criteria: ACMG Guidelines, 2015. Collection method: not provided. Allele origin: germline. Inheritance: Autosomal recessive inheritance. Affected: yes.

PreventionGenetics, part of Exact Sciences
Classification: Likely benign for RFXAP-related condition. Last evaluated: 2019-12-12. Review status: no assertion criteria provided. Collection method: clinical testing. Allele origin: germline. Not counted in ClinVar's aggregate classification.
Comment: This variant is classified as likely benign based on ACMG/AMP sequence variant interpretation guidelines (Richards et al. 2015 PMID: 25741868, with internal and published modifications).

Diagnostic Laboratory, Department of Genetics, University Medical Center Groningen
Classification: Likely benign for MHC class II deficiency 1. Review status: no assertion criteria provided. Collection method: clinical testing. Allele origin: germline. Affected: yes. Study: VKGL Data-share Consensus. Not counted in ClinVar's aggregate classification.